The following is an entry in ClinVar:

NM_173500.4(TTBK2):c.2624A>G (p.Lys875Arg)

Gene: TTBK2 (tau tubulin kinase 2; minus strand). Cytogenetic location: 15q15.2.
Variant type: single nucleotide variant.
Coding change: c.2624A>G on transcript NM_173500.4 (MANE Select); coding-DNA position 2624, A replaced by G.
Protein change: p.Lys875Arg; replaces lysine 875 with arginine.
Molecular consequence: missense variant.
Genome position (GRCh38, 1-based): chr15:42,752,622, T>C on the plus strand (A>G on the coding strand, the complement: TTBK2 is on the minus strand). VCF-style: chr15-42752622-T-C. GRCh37 (hg19) VCF-style: chr15-43044820-T-C.
Other names: short protein forms K875R.
Identifiers: ClinVar variation 2975651 (VCV002975651.4), dbSNP rs867980077, ClinGen allele CA269927513.

ClinVar aggregate classification (germline): Uncertain significance. Review status: criteria provided, multiple submitters, no conflicts (2 of 4 stars). 2 submissions from 2 submitters: Uncertain significance (2). Last evaluated 2025-08-13.

Conditions:
Inborn genetic diseases. Identifiers: MedGen C0950123, MeSH D030342.

Allele frequency attached by ClinVar (database versions not stated): gnomAD exomes below 0.00001; TOPMed 0.00001.
gnomAD v4.1: 11 of 1,614,204 alleles (0.00068%); highest among the groups gnomAD compares: African/African-American, 0.0067%; no homozygotes.

Submissions (2):

Ambry Genetics
Classification: Uncertain significance for Inborn genetic diseases. Last evaluated: 2025-08-13. Review status: criteria provided, single submitter. Criteria: Ambry Variant Classification Scheme 2023. Collection method: clinical testing. Allele origin: germline.

Labcorp Genetics (formerly Invitae), Labcorp
Classification: Uncertain significance. Last evaluated: 2023-11-27. Review status: criteria provided, single submitter. Criteria: Invitae Variant Classification Sherloc (09022015). Collection method: clinical testing. Allele origin: germline.
Comment: This sequence change replaces lysine, which is basic and polar, with arginine, which is basic and polar, at codon 875 of the TTBK2 protein (p.Lys875Arg). This variant is not present in population databases (gnomAD no frequency). This variant has not been reported in the literature in individuals affected with TTBK2-related conditions. An algorithm developed to predict the effect of missense changes on protein structure and function (PolyPhen-2) suggests that this variant is likely to be tolerated. In summary, the available evidence is currently insufficient to determine the role of this variant in disease. Therefore, it has been classified as a Variant of Uncertain Significance.